The following is an entry in ClinVar:

NM_000540.3(RYR1):c.13433T>G (p.Leu4478Trp)

Gene: RYR1 (ryanodine receptor 1; plus strand). Cytogenetic location: 19q13.2.
Variant type: single nucleotide variant.
Coding change: c.13433T>G on transcript NM_000540.3 (MANE Select); coding-DNA position 13433, T replaced by G.
Protein change: p.Leu4478Trp; replaces leucine 4478 with tryptophan.
Molecular consequence: missense variant.
Genome position (GRCh38, 1-based): chr19:38,565,767, T>G. VCF-style: chr19-38565767-T-G. GRCh37 (hg19) VCF-style: chr19-39056407-T-G.
Other names: c.13418T>G, p.Leu4473Trp (NM_001042723.2); short protein forms L4473W, L4478W.
Identifiers: ClinVar variation 3070763 (VCV003070763.3), dbSNP rs571874447, ClinGen allele CA308109745.

ClinVar aggregate classification (germline): Uncertain significance. Review status: criteria provided, multiple submitters, no conflicts (2 of 4 stars). 2 submissions from 2 submitters: Uncertain significance (2). Last evaluated 2024-09-23.

Conditions:
Inborn genetic diseases. Identifiers: MedGen C0950123, MeSH D030342.
Malignant hyperthermia, susceptibility to, 1 (MHS1). Also called: Anesthesia related hyperthermia; Malignant hyperpyrexia; Fulminating hyperpyrexia; Pharmacogenic myopathy; RYR1-Related Malignant Hyperthermia Susceptibility; Malignant hyperthermia suceptibility 1. Identifiers: Orphanet 423, MedGen C2930980, MONDO:0007783, OMIM 145600.

Allele frequency attached by ClinVar (database versions not stated): gnomAD 0.00001; 1000 Genomes Project 30x 0.00016; 1000 Genomes Project 0.00020.
gnomAD v4.1: 1 of 1,394,910 alleles (0.000072%); highest among the groups gnomAD compares: East Asian, 0.003%; no homozygotes.

Submissions (2):

All of Us Research Program, National Institutes of Health
Classification: Uncertain significance for Malignant hyperthermia, susceptibility to, 1. Last evaluated: 2024-09-23. Review status: criteria provided, single submitter. Criteria: ACMG Guidelines, 2015. Collection method: clinical testing. Allele origin: germline. Inheritance: Autosomal dominant inheritance. Observed: 2 variant alleles, 2 heterozygotes.
Comment: This missense variant replaces leucine with tryptophan at codon 4478 of the RYR1 protein. Computational prediction is inconclusive regarding the impact of this variant on protein structure and function (internally defined REVEL score threshold 0.5 < inconclusive < 0.7, PMID: 27666373). To our knowledge, functional studies have not been reported for this variant. This variant has not been reported in individuals affected with RYR1-related disorders in the literature. This variant has not been identified in the general population by the Genome Aggregation Database (gnomAD). The available evidence is insufficient to determine the role of this variant in disease conclusively. Therefore, this variant is classified as a Variant of Uncertain Significance.

This study involves interpretation of variants in research participants for the purpose of population health screening. Participant phenotype was not available at the time of variant classification. Additional details can be found in publication PMID: 35346344, PMCID: PMC8962531

Ambry Genetics
Classification: Uncertain significance for Inborn genetic diseases. Last evaluated: 2023-11-17. Review status: criteria provided, single submitter. Criteria: Ambry Variant Classification Scheme 2023. Collection method: clinical testing. Allele origin: germline.